The following is an entry in ClinVar:

NM_001267550.2(TTN):c.75746G>A (p.Arg25249His)

Genes: TTN (titin; minus strand), TTN-AS1 (TTN antisense RNA 1; plus strand). Cytogenetic location: 2q31.2.
Variant type: single nucleotide variant.
Coding change: c.75746G>A on transcript NM_001267550.2 (MANE Select); coding-DNA position 75746, G replaced by A.
Protein change: p.Arg25249His; replaces arginine 25249 with histidine.
Molecular consequence: missense variant.
Genome position (GRCh38, 1-based): chr2:178,570,386, C>T on the plus strand (G>A on the coding strand, the complement: TTN is on the minus strand). VCF-style: chr2-178570386-C-T. GRCh37 (hg19) VCF-style: chr2-179435113-C-T.
Other names: c.70823G>A, p.Arg23608His (NM_001256850.1); c.48551G>A, p.Arg16184His (NM_003319.4); c.68042G>A, p.Arg22681His (NM_133378.4); c.48926G>A, p.Arg16309His (NM_133432.3); c.49127G>A, p.Arg16376His (NM_133437.4); short protein forms R25249H, R22681H, R23608H, R16309H, R16184H, R16376H.
Identifiers: ClinVar variation 282008 (VCV000282008.11), dbSNP rs773286477, ClinGen allele CA1990004.

ClinVar aggregate classification (germline): Uncertain significance. Review status: criteria provided, multiple submitters, no conflicts (2 of 4 stars). 4 submissions from 4 submitters: Uncertain significance (4). Last evaluated 2026-08-17.

Conditions:
TTN-related disorder. Also called: TTN-related condition; TTN-related disease; TTN-related disorders.
Autosomal recessive limb-girdle muscular dystrophy type 2J (LGMDR10). Also called: MUSCULAR DYSTROPHY, LIMB-GIRDLE, AUTOSOMAL RECESSIVE 10; Limb-girdle muscular dystrophy, type 2J. Identifiers: Orphanet 140922, MedGen C1837342, MONDO:0012127, OMIM 608807.
Dilated cardiomyopathy 1G (CMD1G). Identifiers: Orphanet 154, MedGen C1858763, MONDO:0011400, OMIM 604145.

Allele frequency attached by ClinVar (database versions not stated): gnomAD 0.00002; gnomAD exomes 0.00003 and 0.00004; TOPMed 0.00003; ExAC 0.00004.
gnomAD v4.1: 55 of 1,613,070 alleles (0.0034%); highest among the groups gnomAD compares: East Asian, 0.0067%; no homozygotes.

Submissions (4):

PreventionGenetics, part of Exact Sciences
Classification: Uncertain significance for TTN-related condition. Last evaluated: 2026-08-17. Review status: criteria provided, single submitter. Criteria: ACMG Guidelines, 2015. Collection method: clinical testing. Allele origin: germline.
Comment: The TTN c.75746G>A variant is predicted to result in the amino acid substitution p.Arg25249His. To our knowledge, this variant has not been reported in the literature. This variant is reported in 0.0090% of alleles in individuals of European (Non-Finnish) descent in gnomAD. At this time, the clinical significance of this variant is uncertain due to the absence of conclusive functional and genetic evidence.

Revvity Omics, Revvity
Classification: Uncertain significance. Last evaluated: 2022-05-06. Review status: criteria provided, single submitter. Criteria: ACMG Guidelines, 2015. Collection method: clinical testing. Allele origin: germline.

Labcorp Genetics (formerly Invitae), Labcorp
Classification: Uncertain significance for Dilated cardiomyopathy 1G; Autosomal recessive limb-girdle muscular dystrophy type 2J. Last evaluated: 2017-12-21. Review status: criteria provided, single submitter. Criteria: Invitae Variant Classification Sherloc (09022015). Collection method: clinical testing. Allele origin: germline.

Eurofins Ntd Llc (ga)
Classification: Uncertain significance. Last evaluated: 2015-07-18. Review status: criteria provided, single submitter. Criteria: EGL Classification Definitions 2015. Collection method: clinical testing. Allele origin: germline. Observed: 1 variant allele, 1 heterozygote.